The following is an entry in ClinVar:

ClinVar aggregate classification (germline): Uncertain significance. Review status: criteria provided, multiple submitters, no conflicts (2 of 4 stars). 3 submissions from 3 submitters: Uncertain significance (3). Last evaluated 2026-08-06.

Conditions:
Very long chain acyl-CoA dehydrogenase deficiency (ACADVLD). Also called: Very Long-Chain Acyl-Coenzyme A Dehydrogenase Deficiency; VLCAD Deficiency. Identifiers: Orphanet 26793, MedGen C3887523, MONDO:0008723, OMIM 201475.

Allele frequency attached by ClinVar (database versions not stated): gnomAD exomes 0.00008; ESP Exome Variant Server 0.00015; gnomAD 0.00010; TOPMed 0.00020; ExAC 0.00009; 1000 Genomes Project 30x 0.00031.
gnomAD v4.1: 53 of 1,613,976 alleles (0.0033%); highest among the groups gnomAD compares: African/African-American, 0.043%; no homozygotes.

Submissions (3):

OLLIN Analises Genomicas, OLLIN
Classification: Uncertain significance for Very long chain acyl-CoA dehydrogenase deficiency. Last evaluated: 2026-08-06. Review status: criteria provided, single submitter. Criteria: ACMG Guidelines 2015 PMID 25741868. Collection method: clinical testing. Allele origin: germline. Inheritance: Autosomal recessive inheritance.
Comment: This variant, has been reported in ClinVar (accession VCV000932820.3) and in gnomAD with an allele frequency of 0.0033%. However, to our knowledge, it has not been reported in the scientific literature. According to the currently available evidence, this variant has been classified as uncertain significance (PM2_P).

Dasa
Classification: Uncertain significance for Very long chain acyl-CoA dehydrogenase deficiency. Last evaluated: 2026-01-08. Review status: criteria provided, single submitter. Criteria: DASA Assertion Criteria. Collection method: clinical testing. Allele origin: germline.
Comment: NM_000018.4(ACADVL):c.1269+25G>A is an intronic variant. This variant is rare in population databases. The currently available literature and clinical evidence are not sufficient to establish a definitive association between this variant and the reported condition. Therefore, this variant is classified as a variant of uncertain significance.

Wong Mito Lab, Molecular and Human Genetics, Baylor College of Medicine
Classification: Uncertain significance for Very long chain acyl-CoA dehydrogenase deficiency. Last evaluated: 2019-11-01. Review status: criteria provided, single submitter. Criteria: ACMG Guidelines, 2015. Collection method: clinical testing. Allele origin: germline.
Comment: The NM_000018.3:c.1269+25G>A (NP_000009.1:p.?) [GRCH38: NC_000017.11:g.7223755G>A] variant in ACADVL gene is interpretated to be Uncertain Significance based on ACMG guidelines (PMID: 25741868). This variant has been reported. This variant dose not meet any evidence codes reported in the ACMG guidelines.

NM_000018.4(ACADVL):c.1269+25G>A

Gene: ACADVL (acyl-CoA dehydrogenase very long chain; plus strand). Cytogenetic location: 17p13.1.
Variant type: single nucleotide variant.
Coding change: c.1269+25G>A on transcript NM_000018.4 (MANE Select); 25 bases into the intron after coding-DNA position 1269, G replaced by A.
Molecular consequence: intron variant.
Genome position (GRCh38, 1-based): chr17:7,223,755, G>A. VCF-style: chr17-7223755-G-A. GRCh37 (hg19) VCF-style: chr17-7127074-G-A.
Other names: c.1338+25G>A (NM_001270447.2); c.1041+25G>A (NM_001270448.2); c.1203+25G>A (NM_001033859.3).
Identifiers: ClinVar variation 932820 (VCV000932820.5), dbSNP rs373157378, ClinGen allele CA8338057.